The following is an entry in ClinVar:

NM_024120.5(NDUFAF5):c.212T>C (p.Leu71Pro)

Gene: NDUFAF5 (NADH:ubiquinone oxidoreductase complex assembly factor 5; plus strand). Cytogenetic location: 20p12.1.
Variant type: single nucleotide variant.
Coding change: c.212T>C on transcript NM_024120.5 (MANE Select); coding-DNA position 212, T replaced by C.
Protein change: p.Leu71Pro; replaces leucine 71 with proline.
Molecular consequence: missense variant. On other transcripts: 5 prime UTR variant (3), non-coding transcript variant (7).
Genome position (GRCh38, 1-based): chr20:13,785,280, T>C. VCF-style: chr20-13785280-T-C. GRCh37 (hg19) VCF-style: chr20-13765926-T-C.
Other names: c.212T>C, p.Leu71Pro (NM_001039375.3, NM_001352408.2); c.-156T>C (NM_001352403.2); c.-370T>C (NM_001352406.2); c.-484T>C (NM_001352407.2); short protein forms L71P.
Identifiers: ClinVar variation 5008831 (VCV005008831.1).

ClinVar aggregate classification (germline): Uncertain significance (1 of 4 stars; one submission).

Submission:

GeneDx
Classification: Uncertain significance. Last evaluated: 2026-03-18. Review status: criteria provided, single submitter. Criteria: GeneDx Variant Classification Process June 2021. Collection method: clinical testing. Allele origin: germline.
Comment: Not observed at significant frequency in large population cohorts (gnomAD); In silico analysis supports that this missense variant has a deleterious effect on protein structure/function; Has not been previously published as pathogenic or benign to our knowledge